The following is an entry in ClinVar:

ClinVar aggregate classification (germline): Conflicting classifications of pathogenicity. Review status: criteria provided, conflicting classifications (1 of 4 stars). 6 submissions from 4 submitters: Uncertain significance (4); Likely benign (1). 1 of the submissions does not count toward it. Last evaluated 2025-09-29.

Conditions:
CRX-related disorder. Also called: CRX-related condition.
Cone-rod dystrophy 2 (CORD2). Also called: CONE-ROD RETINAL DYSTROPHY; Cone-rod retinal dystrophy 2. Identifiers: Orphanet 1872, MedGen C3489532, MONDO:0007362, OMIM 120970.
Leber congenital amaurosis 7 (LCA7). Identifiers: Orphanet 65, MedGen C3151192, MONDO:0013449, OMIM 613829.
Retinitis pigmentosa (RP). Identifiers: Orphanet 791, MedGen C0035334, MeSH D012174, MONDO:0019200, OMIM 268000. Inheritance: Autosomal dominant, autosomal recessive and X linked inheritance.

Allele frequency attached by ClinVar (database versions not stated): ExAC 0.00005; gnomAD exomes 0.00007 and 0.00015; gnomAD 0.00011 and 0.00012; TOPMed 0.00011; ESP Exome Variant Server 0.00023.

Submissions (6):

Labcorp Genetics (formerly Invitae), Labcorp
Classification: Likely benign for Cone-rod dystrophy 2; Leber congenital amaurosis 7. Last evaluated: 2025-09-29. Review status: criteria provided, single submitter. Criteria: Invitae Variant Classification Sherloc (09022015). Collection method: clinical testing. Allele origin: germline.

Blueprint Genetics
Classification: Uncertain significance. Last evaluated: 2022-10-17. Review status: criteria provided, single submitter. Criteria: ACMG Guidelines, 2015. Collection method: clinical testing. Allele origin: germline.

Illumina Laboratory Services, Illumina
Classification: Uncertain significance for Leber congenital amaurosis 7. Last evaluated: 2018-01-13. Review status: criteria provided, single submitter. Criteria: ICSL Variant Classification Criteria 13 December 2019. Collection method: clinical testing. Allele origin: germline.

Illumina Laboratory Services, Illumina
Classification: Uncertain significance for Cone-rod dystrophy 2. Last evaluated: 2018-01-13. Review status: criteria provided, single submitter. Criteria: ICSL Variant Classification Criteria 13 December 2019. Collection method: clinical testing. Allele origin: germline.

Illumina Laboratory Services, Illumina
Classification: Uncertain significance for Retinitis pigmentosa. Last evaluated: 2018-01-13. Review status: criteria provided, single submitter. Criteria: ICSL Variant Classification Criteria 13 December 2019. Collection method: clinical testing. Allele origin: germline.

PreventionGenetics, part of Exact Sciences
Classification: Likely benign for CRX-related condition. Last evaluated: 2019-04-15. Review status: no assertion criteria provided. Collection method: clinical testing. Allele origin: germline. Not counted in ClinVar's aggregate classification.
Comment: This variant is classified as likely benign based on ACMG/AMP sequence variant interpretation guidelines (Richards et al. 2015 PMID: 25741868, with internal and published modifications).

NM_000554.6(CRX):c.765C>T (p.Gly255=)

Gene: CRX (cone-rod homeobox; plus strand). Cytogenetic location: 19q13.33.
Variant type: single nucleotide variant.
Coding change: c.765C>T on transcript NM_000554.6 (MANE Select); coding-DNA position 765, C replaced by T.
Protein change: p.Gly255=; no amino-acid change (glycine 255 retained).
Molecular consequence: synonymous variant.
Genome position (GRCh38, 1-based): chr19:47,839,832, C>T. VCF-style: chr19-47839832-C-T. GRCh37 (hg19) VCF-style: chr19-48343089-C-T.
Other names: c.765C>T (NM_000554.5).
Identifiers: ClinVar variation 893465 (VCV000893465.14), dbSNP rs145913500, ClinGen allele CA9544567.